The following is an entry in ClinVar:

NM_001330260.2(SCN8A):c.5645C>A (p.Ser1882Tyr)

Gene: SCN8A (sodium voltage-gated channel alpha subunit 8; plus strand). Cytogenetic location: 12q13.13.
Variant type: single nucleotide variant.
Coding change: c.5645C>A on transcript NM_001330260.2 (MANE Select); coding-DNA position 5645, C replaced by A.
Protein change: p.Ser1882Tyr; replaces serine 1882 with tyrosine.
Molecular consequence: missense variant.
Genome position (GRCh38, 1-based): chr12:51,807,131, C>A. VCF-style: chr12-51807131-C-A. GRCh37 (hg19) VCF-style: chr12-52200915-C-A.
Other names: c.5522C>A, p.Ser1841Tyr (NM_001177984.3, NM_001369788.1); c.5645C>A, p.Ser1882Tyr (NM_014191.4); short protein forms S1841Y, S1882Y.
Identifiers: ClinVar variation 656459 (VCV000656459.10), dbSNP rs1592174945, ClinGen allele CA384888287.

ClinVar aggregate classification (germline): Uncertain significance. Review status: criteria provided, multiple submitters, no conflicts (2 of 4 stars). 2 submissions from 2 submitters: Uncertain significance (2). Last evaluated 2022-02-09.

Conditions:
Early-infantile DEE. Also called: Early infantile epileptic encephalopathy; Early infantile epileptic encephalopathy with suppression bursts; Ohtahara syndrome. Identifiers: Orphanet 1934, MedGen C0393706, MONDO:0800491.

Submissions (2):

Blueprint Genetics
Classification: Uncertain significance. Last evaluated: 2022-02-09. Review status: criteria provided, single submitter. Criteria: ACMG Guidelines, 2015. Collection method: clinical testing. Allele origin: germline.

Labcorp Genetics (formerly Invitae), Labcorp
Classification: Uncertain significance for Early-infantile DEE. Last evaluated: 2022-01-15. Review status: criteria provided, single submitter. Criteria: Invitae Variant Classification Sherloc (09022015). Collection method: clinical testing. Allele origin: germline.
Comment: ClinVar contains an entry for this variant (Variation ID: 656459). This variant has not been reported in the literature in individuals affected with SCN8A-related conditions. This variant is not present in population databases (gnomAD no frequency). This sequence change replaces serine, which is neutral and polar, with tyrosine, which is neutral and polar, at codon 1882 of the SCN8A protein (p.Ser1882Tyr). Algorithms developed to predict the effect of missense changes on protein structure and function are either unavailable or do not agree on the potential impact of this missense change (SIFT: "Deleterious"; PolyPhen-2: "Probably Damaging"; Align-GVGD: "Class C0"). In summary, the available evidence is currently insufficient to determine the role of this variant in disease. Therefore, it has been classified as a Variant of Uncertain Significance.